The following is an entry in ClinVar:

ClinVar aggregate classification (germline): Uncertain significance. Review status: criteria provided, multiple submitters, no conflicts (2 of 4 stars). 2 submissions from 2 submitters: Uncertain significance (2). Last evaluated 2025-10-20.

Conditions:
Susceptibility to respiratory infections associated with CD8alpha chain mutation (IMD116). Also called: Cd8 deficiency, familial; IMMUNODEFICIENCY 116. Identifiers: Orphanet 169085, MedGen C1837065, MONDO:0012161, OMIM 608957.

gnomAD v4.1: 9 of 1,482,346 alleles (0.00061%); highest among the groups gnomAD compares: Middle Eastern, 0.036%; no homozygotes.

Submissions (2):

Labcorp Genetics (formerly Invitae), Labcorp
Classification: Uncertain significance for Susceptibility to respiratory infections associated with CD8alpha chain mutation. Last evaluated: 2025-10-20. Review status: criteria provided, single submitter. Criteria: Invitae Variant Classification Sherloc (09022015). Collection method: clinical testing. Allele origin: germline.
Comment: This sequence change replaces arginine, which is basic and polar, with proline, which is neutral and non-polar, at codon 165 of the CD8A protein (p.Arg165Pro). This variant is not present in population databases (gnomAD no frequency). This variant has not been reported in the literature in individuals affected with CD8A-related conditions. ClinVar contains an entry for this variant (Variation ID: 648401). An algorithm developed to predict the effect of missense changes on protein structure and function (PolyPhen-2) suggests that this variant is likely to be disruptive. In summary, the available evidence is currently insufficient to determine the role of this variant in disease. Therefore, it has been classified as a Variant of Uncertain Significance.

Breakthrough Genomics
Classification: Uncertain significance. Review status: criteria provided, single submitter. Criteria: ACMG Guidelines, 2015. Collection method: not provided. Allele origin: germline. Inheritance: Autosomal recessive inheritance. Affected: yes.

NM_001768.7(CD8A):c.494G>C (p.Arg165Pro)

Gene: CD8A (CD8 subunit alpha; minus strand). Cytogenetic location: 2p11.2.
Variant type: single nucleotide variant.
Coding change: c.494G>C on transcript NM_001768.7 (MANE Select); coding-DNA position 494, G replaced by C.
Protein change: p.Arg165Pro; replaces arginine 165 with proline.
Molecular consequence: missense variant. On other transcripts: non-coding transcript variant (3).
Genome position (GRCh38, 1-based): chr2:86,789,660, C>G on the plus strand (G>C on the coding strand, the complement: CD8A is on the minus strand). VCF-style: chr2-86789660-C-G. GRCh37 (hg19) VCF-style: chr2-87016783-C-G.
Other names: c.494G>C, p.Arg165Pro (NM_001145873.1, NM_001382698.1, NM_171827.4); short protein forms R165P.
Identifiers: ClinVar variation 648401 (VCV000648401.8), dbSNP rs924437954, ClinGen allele CA51407246.